The following is an entry in ClinVar:

ClinVar aggregate classification (germline): Likely pathogenic (1 of 4 stars; one submission).

Allele frequency attached by ClinVar (database versions not stated): gnomAD exomes below 0.00001.
gnomAD v4.1: 3 of 1,607,832 alleles (0.00019%); highest among the groups gnomAD compares: Non-Finnish European, 0.00025%; no homozygotes.

Submission:

Labcorp Genetics (formerly Invitae), Labcorp
Classification: Likely pathogenic. Last evaluated: 2023-11-24. Review status: criteria provided, single submitter. Criteria: Invitae Variant Classification Sherloc (09022015). Collection method: clinical testing. Allele origin: germline.
Comment: This sequence change affects an acceptor splice site in intron 35 of the COL9A1 gene. It is expected to disrupt RNA splicing. Variants that disrupt the donor or acceptor splice site typically lead to a loss of protein function (PMID: 16199547), and loss-of-function variants in COL9A1 are known to be pathogenic (PMID: 16909383, 21421862). This variant is not present in population databases (gnomAD no frequency). This variant has not been reported in the literature in individuals affected with COL9A1-related conditions. Algorithms developed to predict the effect of sequence changes on RNA splicing suggest that this variant may disrupt the consensus splice site. In summary, the currently available evidence indicates that the variant is pathogenic, but additional data are needed to prove that conclusively. Therefore, this variant has been classified as Likely Pathogenic.

Literature cited by the submitters: PubMed 16199547; PubMed 16909383; PubMed 21421862.

NM_001851.6(COL9A1):c.2315-2A>G

Gene: COL9A1 (collagen type IX alpha 1 chain; minus strand). Cytogenetic location: 6q13.
Variant type: single nucleotide variant.
Coding change: c.2315-2A>G on transcript NM_001851.6 (MANE Select); the canonical splice acceptor site of the intron before coding-DNA position 2315, A replaced by G.
Molecular consequence: splice acceptor variant.
Genome position (GRCh38, 1-based): chr6:70,232,773, T>C on the plus strand (A>G on the coding strand, the complement: COL9A1 is on the minus strand). VCF-style: chr6-70232773-T-C. GRCh37 (hg19) VCF-style: chr6-70942476-T-C.
Other names: c.1439-2A>G (NM_001377290.1); c.1586-2A>G (NM_078485.4); c.1616-2A>G (NM_001377289.1).
Identifiers: ClinVar variation 2698816 (VCV002698816.3), dbSNP rs2483176844, ClinGen allele CA364672342.